The following is an entry in ClinVar:

NM_025137.4(SPG11):c.837C>T (p.Ser279=)

Gene: SPG11 (SPG11 vesicle trafficking associated, spatacsin; minus strand). Cytogenetic location: 15q21.1.
Variant type: single nucleotide variant.
Coding change: c.837C>T on transcript NM_025137.4 (MANE Select); coding-DNA position 837, C replaced by T.
Protein change: p.Ser279=; no amino-acid change (serine 279 retained).
Molecular consequence: synonymous variant.
Genome position (GRCh38, 1-based): chr15:44,657,127, G>A on the plus strand (C>T on the coding strand, the complement: SPG11 is on the minus strand). VCF-style: chr15-44657127-G-A. GRCh37 (hg19) VCF-style: chr15-44949325-G-A.
Other names: c.837C>T, p.Ser279= (NM_001160227.2).
Identifiers: ClinVar variation 1161338 (VCV001161338.13), dbSNP rs563928976, ClinGen allele CA7535708.

ClinVar aggregate classification (germline): Likely benign. Review status: criteria provided, multiple submitters, no conflicts (2 of 4 stars). 2 submissions from 2 submitters: Likely benign (2). Last evaluated 2026-01-01.

Conditions:
Hereditary spastic paraplegia 11. Also called: Spastic Paraplegia 11; Nakamura Osame syndrome; Autosomal recessive hereditary spastic paraplegia, mental impairment, and thin corpus callosum; Spastic paraplegia, mental retardation and thin corpus callosum; SPASTIC PARAPLEGIA, AUTOSOMAL RECESSIVE, COMPLICATED, WITH THIN CORPUS CALLOSUM; SPASTIC PARAPLEGIA, AUTOSOMAL RECESSIVE, WITH MENTAL IMPAIRMENT AND THIN CORPUS CALLOSUM. Identifiers: Orphanet 2822, MedGen C1858479, MONDO:0011445, OMIM 604360.

Allele frequency attached by ClinVar (database versions not stated): gnomAD exomes 0.00001 and 0.00002; gnomAD 0.00002 and 0.00003; TOPMed 0.00002; ExAC 0.00003; 1000 Genomes Project 30x 0.00016; 1000 Genomes Project 0.00020.
gnomAD v4.1: 22 of 1,614,114 alleles (0.0014%); highest among the groups gnomAD compares: African/African-American, 0.0067%; no homozygotes.

Submissions (2):

CeGaT Center for Human Genetics Tuebingen
Classification: Likely benign. Last evaluated: 2026-01-01. Review status: criteria provided, single submitter. Criteria: CeGaT Center For Human Genetics Tuebingen Variant Classification Criteria Version 2. Collection method: clinical testing. Allele origin: germline. Affected: yes. Observed: 1 variant allele.
Comment: SPG11: BP4, BP7

Labcorp Genetics (formerly Invitae), Labcorp
Classification: Likely benign for Hereditary spastic paraplegia 11. Last evaluated: 2025-11-28. Review status: criteria provided, single submitter. Criteria: Invitae Variant Classification Sherloc (09022015). Collection method: clinical testing. Allele origin: germline.